The following is an entry in ClinVar:

ClinVar aggregate classification (germline): Conflicting classifications of pathogenicity. Review status: criteria provided, conflicting classifications (1 of 4 stars). 2 submissions from 2 submitters: Uncertain significance (1); Likely benign (1). Last evaluated 2023-03-23.

Conditions:
Hereditary cancer-predisposing syndrome. Also called: Neoplastic Syndromes, Hereditary; Tumor predisposition; Hereditary Cancer Syndrome; Hereditary neoplastic syndrome. Identifiers: Orphanet 140162, MedGen C0027672, MeSH D009386, MONDO:0015356.

Submissions (2):

University of Washington Department of Laboratory Medicine, University of Washington
Classification: Likely benign for Hereditary cancer-predisposing syndrome. Last evaluated: 2023-03-23. Review status: criteria provided, single submitter. Criteria: Dines et al. (Genet Med. 2020). Collection method: curation. Allele origin: germline.
Comment: Missense variant in a coldspot region where missense variants are very unlikely to be pathogenic (PMID:31911673).

BRCA2 exon 11 coldspot. Reclassification based on statistical prior probability.

Ambry Genetics
Classification: Uncertain significance for Hereditary cancer-predisposing syndrome. Last evaluated: 2022-04-22. Review status: criteria provided, single submitter. Criteria: Ambry Variant Classification Scheme 2023. Collection method: clinical testing. Allele origin: germline.
Comment: The p.I2269N variant (also known as c.6806T>A), located in coding exon 10 of the BRCA2 gene, results from a T to A substitution at nucleotide position 6806. The isoleucine at codon 2269 is replaced by asparagine, an amino acid with dissimilar properties. This amino acid position is conserved. In addition, this alteration is predicted to be tolerated by in silico analysis. Since supporting evidence is limited at this time, the clinical significance of this alteration remains unclear.

NM_000059.4(BRCA2):c.6806T>A (p.Ile2269Asn)

Gene: BRCA2 (BRCA2 DNA repair associated; plus strand). Cytogenetic location: 13q13.1.
Variant type: single nucleotide variant.
Coding change: c.6806T>A on transcript NM_000059.4 (MANE Select); coding-DNA position 6806, T replaced by A.
Protein change: p.Ile2269Asn; replaces isoleucine 2269 with asparagine.
Molecular consequence: missense variant.
Genome position (GRCh38, 1-based): chr13:32,341,161, T>A. VCF-style: chr13-32341161-T-A. GRCh37 (hg19) VCF-style: chr13-32915298-T-A.
Other names: c.6806T>A, p.Ile2269Asn (NM_001406719.1, NM_001406720.1); short protein forms I2269N.
Identifiers: ClinVar variation 1755544 (VCV001755544.4), dbSNP rs398122564, ClinGen allele CA387791370.